The following is an entry in ClinVar:

NM_020919.4(ALS2):c.4495C>T (p.Arg1499Cys)

Gene: ALS2 (alsin Rho guanine nucleotide exchange factor ALS2; minus strand). Cytogenetic location: 2q33.1.
Variant type: single nucleotide variant.
Coding change: c.4495C>T on transcript NM_020919.4 (MANE Select); coding-DNA position 4495, C replaced by T.
Protein change: p.Arg1499Cys; replaces arginine 1499 with cysteine.
Molecular consequence: missense variant.
Genome position (GRCh38, 1-based): chr2:201,706,931, G>A on the plus strand (C>T on the coding strand, the complement: ALS2 is on the minus strand). VCF-style: chr2-201706931-G-A. GRCh37 (hg19) VCF-style: chr2-202571654-G-A.
Other names: short protein forms R1499C.
Identifiers: ClinVar variation 439402 (VCV000439402.18), dbSNP rs112869526, ClinGen allele CA2057560.

ClinVar aggregate classification (germline): Uncertain significance. Review status: criteria provided, multiple submitters, no conflicts (2 of 4 stars). 4 submissions from 4 submitters: Uncertain significance (4). Last evaluated 2024-11-25.

Conditions:
Infantile-onset ascending hereditary spastic paralysis (IAHSP). Also called: Autosomal Recessive Juvenile Amyotrophic Lateral Sclerosis; Infantile-Onset Ascending Hereditary Spastic Paralysis (IAHSP). Identifiers: Orphanet 293168, MedGen C2931441, MONDO:0011797, OMIM 607225. Disease mechanism: loss of function.
Hereditary spastic paraplegia. Also called: Familial spastic paraparesis. Identifiers: Orphanet 685, MedGen C0037773, MONDO:0019064. Disease mechanism: loss of function.

Allele frequency attached by ClinVar (database versions not stated): gnomAD exomes 0.00003 and 0.00004; TOPMed 0.00003; ExAC 0.00004; gnomAD 0.00004 and 0.00005.
gnomAD v4.1: 56 of 1,613,864 alleles (0.0035%); highest among the groups gnomAD compares: African/African-American, 0.0053%; no homozygotes.

Submissions (4):

Blueprint Genetics
Classification: Uncertain significance. Last evaluated: 2024-11-25. Review status: criteria provided, single submitter. Criteria: ACMG Guidelines, 2015. Collection method: clinical testing. Allele origin: germline.

Labcorp Genetics (formerly Invitae), Labcorp
Classification: Uncertain significance for Infantile-onset ascending hereditary spastic paralysis. Last evaluated: 2022-06-21. Review status: criteria provided, single submitter. Criteria: Invitae Variant Classification Sherloc (09022015). Collection method: clinical testing. Allele origin: germline.
Comment: This sequence change replaces arginine, which is basic and polar, with cysteine, which is neutral and slightly polar, at codon 1499 of the ALS2 protein (p.Arg1499Cys). This variant is present in population databases (rs112869526, gnomAD 0.008%). This missense change has been observed in individual(s) with autism spectrum disorder (PMID: 25363768, 28407358, 28714951, 34011629). ClinVar contains an entry for this variant (Variation ID: 439402). Algorithms developed to predict the effect of missense changes on protein structure and function (SIFT, PolyPhen-2, Align-GVGD) all suggest that this variant is likely to be disruptive. In summary, the available evidence is currently insufficient to determine the role of this variant in disease. Therefore, it has been classified as a Variant of Uncertain Significance.

Genome Diagnostics Laboratory, The Hospital for Sick Children
Classification: Uncertain significance for Hereditary spastic paraplegia. Last evaluated: 2020-03-01. Review status: criteria provided, single submitter. Criteria: ACMG Guidelines, 2015. Collection method: clinical testing. Allele origin: germline. Affected: yes.

ARUP Laboratories, Molecular Genetics and Genomics, ARUP Laboratories
Classification: Uncertain significance. Last evaluated: 2017-02-02. Review status: criteria provided, single submitter. Criteria: ARUP Molecular Germline Variant Investigation Process. Collection method: clinical testing. Allele origin: germline.

Literature cited by the submitters: PubMed 25363768 (cited by Labcorp Genetics (formerly Invitae), Labcorp); PubMed 28407358 (cited by Labcorp Genetics (formerly Invitae), Labcorp); PubMed 28714951 (cited by Labcorp Genetics (formerly Invitae), Labcorp); PubMed 34011629 (cited by Labcorp Genetics (formerly Invitae), Labcorp).